The following is an entry in ClinVar:

NM_002691.4(POLD1):c.1567C>T (p.Leu523=)

Gene: POLD1 (DNA polymerase delta 1, catalytic subunit; plus strand). Cytogenetic location: 19q13.33.
Variant type: single nucleotide variant.
Coding change: c.1567C>T on transcript NM_002691.4 (MANE Select); coding-DNA position 1567, C replaced by T.
Protein change: p.Leu523=; no amino-acid change (leucine 523 retained).
Molecular consequence: synonymous variant. On other transcripts: non-coding transcript variant (1).
Genome position (GRCh38, 1-based): chr19:50,407,055, C>T. VCF-style: chr19-50407055-C-T. GRCh37 (hg19) VCF-style: chr19-50910312-C-T.
Other names: c.1567C>T, p.Leu523= (NM_001256849.1, NM_001308632.1).
Identifiers: ClinVar variation 486944 (VCV000486944.9), dbSNP rs1555791382, ClinGen allele CA508184006.

ClinVar aggregate classification (germline): Benign/Likely benign. Review status: criteria provided, multiple submitters, no conflicts (2 of 4 stars). 3 submissions from 3 submitters: Benign (1); Likely benign (2). Last evaluated 2025-02-12.

Conditions:
POLD1-related polyposis and colorectal cancer syndrome (CRCS10). Also called: Colorectal cancer 10; COLORECTAL CANCER, SUSCEPTIBILITY TO, ON CHROMOSOME 19q; Colorectal cancer, susceptibility to, 10. Identifiers: Orphanet 220460, MedGen C2675481, MONDO:0012953, OMIM 612591.
Hereditary cancer-predisposing syndrome. Also called: Tumor predisposition; Hereditary Cancer Syndrome; Hereditary neoplastic syndrome; Neoplastic Syndromes, Hereditary. Identifiers: Orphanet 140162, MedGen C0027672, MeSH D009386, MONDO:0015356.

Allele frequency attached by ClinVar (database versions not stated): gnomAD exomes below 0.00001.
gnomAD v4.1: 2 of 1,613,798 alleles (0.00012%); highest among the groups gnomAD compares: African/African-American, 0.0013%; no homozygotes.

Submissions (3):

Labcorp Genetics (formerly Invitae), Labcorp
Classification: Likely benign for POLD1-related polyposis and colorectal cancer syndrome. Last evaluated: 2025-02-12. Review status: criteria provided, single submitter. Criteria: Invitae Variant Classification Sherloc (09022015). Collection method: clinical testing. Allele origin: germline.

Myriad Genetics, Inc.
Classification: Benign for POLD1-related polyposis and colorectal cancer syndrome. Last evaluated: 2025-02-06. Review status: criteria provided, single submitter. Criteria: Myriad Autosomal Dominant, Autosomal Recessive and X-Linked Classification Criteria (2023). Collection method: clinical testing. Allele origin: unknown.
Comment: This variant is considered benign. This variant is a silent/synonymous amino acid change and it is not expected to impact splicing.

Ambry Genetics
Classification: Likely benign for Hereditary cancer-predisposing syndrome. Last evaluated: 2016-02-24. Review status: criteria provided, single submitter. Criteria: Ambry Variant Classification Scheme 2023. Collection method: clinical testing. Allele origin: germline.